The following is an entry in ClinVar:

ClinVar aggregate classification (germline): Uncertain significance (1 of 4 stars; one submission).

Conditions:
Intellectual disability. Also called: Intellectual developmental disorder; Intellectual functioning disability; intellectual disabilities. Identifiers: MedGen C3714756, MeSH D008607, MONDO:0001071, HP:0001249.

Allele frequency attached by ClinVar (database versions not stated): gnomAD exomes below 0.00001 and 0.00001; gnomAD 0.00001; ExAC 0.00002.
gnomAD v4.1: 7 of 1,611,878 alleles (0.00043%); highest among the groups gnomAD compares: East Asian, 0.0022%; no homozygotes.

Submission:

Labcorp Genetics (formerly Invitae), Labcorp
Classification: Uncertain significance for Intellectual disability. Last evaluated: 2023-07-30. Review status: criteria provided, single submitter. Criteria: Invitae Variant Classification Sherloc (09022015). Collection method: clinical testing. Allele origin: germline.
Comment: This sequence change replaces threonine, which is neutral and polar, with methionine, which is neutral and non-polar, at codon 203 of the GABRB2 protein (p.Thr203Met). This variant is present in population databases (rs772591708, gnomAD 0.003%). This variant has not been reported in the literature in individuals affected with GABRB2-related conditions. ClinVar contains an entry for this variant (Variation ID: 849165). Advanced modeling of protein sequence and biophysical properties (such as structural, functional, and spatial information, amino acid conservation, physicochemical variation, residue mobility, and thermodynamic stability) performed at Invitae indicates that this missense variant is not expected to disrupt GABRB2 protein function. In summary, the available evidence is currently insufficient to determine the role of this variant in disease. Therefore, it has been classified as a Variant of Uncertain Significance.

NM_001371727.1(GABRB2):c.608C>T (p.Thr203Met)

Gene: GABRB2 (gamma-aminobutyric acid type A receptor subunit beta2; minus strand). Cytogenetic location: 5q34.
Variant type: single nucleotide variant.
Coding change: c.608C>T on transcript NM_001371727.1 (MANE Select); coding-DNA position 608, C replaced by T.
Protein change: p.Thr203Met; replaces threonine 203 with methionine.
Molecular consequence: missense variant.
Genome position (GRCh38, 1-based): chr5:161,336,703, G>A on the plus strand (C>T on the coding strand, the complement: GABRB2 is on the minus strand). VCF-style: chr5-161336703-G-A. GRCh37 (hg19) VCF-style: chr5-160763710-G-A.
Other names: c.608C>T, p.Thr203Met (NM_000813.3, NM_021911.3); short protein forms T203M.
Identifiers: ClinVar variation 849165 (VCV000849165.10), dbSNP rs772591708, ClinGen allele CA3543514.